The following is an entry in ClinVar:

ClinVar aggregate classification (germline): Uncertain significance. Review status: criteria provided, multiple submitters, no conflicts (2 of 4 stars). 3 submissions from 3 submitters: Uncertain significance (3). Last evaluated 2025-08-18.

Conditions:
Inborn genetic diseases. Identifiers: MedGen C0950123, MeSH D030342.

Allele frequency attached by ClinVar (database versions not stated): gnomAD exomes 0.00004; ExAC 0.00007; gnomAD 0.00007 and 0.00008; TOPMed 0.00009.
gnomAD v4.1: 64 of 1,603,178 alleles (0.004%); highest among the groups gnomAD compares: African/African-American, 0.017%; no homozygotes.

Submissions (3):

Labcorp Genetics (formerly Invitae), Labcorp
Classification: Uncertain significance. Last evaluated: 2025-08-18. Review status: criteria provided, single submitter. Criteria: Invitae Variant Classification Sherloc (09022015). Collection method: clinical testing. Allele origin: germline.
Comment: This sequence change replaces arginine, which is basic and polar, with tryptophan, which is neutral and slightly polar, at codon 656 of the AP3D1 protein (p.Arg656Trp). The frequency data for this variant in the population databases is considered unreliable, as metrics indicate poor data quality at this position in the gnomAD database. This variant has not been reported in the literature in individuals affected with AP3D1-related conditions. ClinVar contains an entry for this variant (Variation ID: 1483342). An algorithm developed to predict the effect of missense changes on protein structure and function (PolyPhen-2) suggests that this variant is likely to be disruptive. In summary, the available evidence is currently insufficient to determine the role of this variant in disease. Therefore, it has been classified as a Variant of Uncertain Significance.

Ambry Genetics
Classification: Uncertain significance for Inborn genetic diseases. Last evaluated: 2025-08-10. Review status: criteria provided, single submitter. Criteria: Ambry Variant Classification Scheme 2023. Collection method: clinical testing. Allele origin: germline.

Breakthrough Genomics
Classification: Uncertain significance. Review status: criteria provided, single submitter. Criteria: ACMG Guidelines, 2015. Collection method: not provided. Allele origin: germline. Inheritance: Autosomal recessive inheritance. Affected: yes.

NM_001261826.3(AP3D1):c.1966C>T (p.Arg656Trp)

Gene: AP3D1 (adaptor related protein complex 3 subunit delta 1; minus strand). Cytogenetic location: 19p13.3.
Variant type: single nucleotide variant.
Coding change: c.1966C>T on transcript NM_001261826.3 (MANE Select); coding-DNA position 1966, C replaced by T.
Protein change: p.Arg656Trp; replaces arginine 656 with tryptophan.
Molecular consequence: missense variant.
Genome position (GRCh38, 1-based): chr19:2,116,640, G>A on the plus strand (C>T on the coding strand, the complement: AP3D1 is on the minus strand). VCF-style: chr19-2116640-G-A. GRCh37 (hg19) VCF-style: chr19-2116639-G-A.
Other names: c.1966C>T (NM_003938.5); c.1966C>T, p.Arg656Trp (NM_001374799.1, NM_003938.8); short protein forms R656W.
Identifiers: ClinVar variation 1483342 (VCV001483342.8), dbSNP rs779953403, ClinGen allele CA9059107.
Genomic context (GRCh38, chr19:2,116,640, plus strand): 5'-TCGCCAGGGGCAGCCAGCAGCTCACCCGAGCCAGCTCTTCCTCGTCCGCCTCCGACGGCC[G>A]GTGCTTGGGACGCCGCTGCTCCTCCTCGTGGAAGACGGCCCTGGGCCTCTCGTCCTCTGA-3'
Protein context (NP_001248755.1, residues 646-666): HEEEQRRPKH[Arg656Trp]PSEADEEELA